The following is an entry in ClinVar:

ClinVar aggregate classification (germline): Pathogenic (1 of 4 stars; one submission).

Conditions:
Neuromuscular disease caused by qualitative or quantitative defects of dysferlin. Also called: Dysferlinopathy; Qualitative or quantitative defects of dysferlin. Identifiers: Orphanet 207073, MedGen C2931687, MONDO:0016145.

Submission:

Labcorp Genetics (formerly Invitae), Labcorp
Classification: Pathogenic for Neuromuscular disease caused by qualitative or quantitative defects of dysferlin. Last evaluated: 2024-08-04. Review status: criteria provided, single submitter. Criteria: Invitae Variant Classification Sherloc (09022015). Collection method: clinical testing. Allele origin: germline.
Comment: This sequence change creates a premature translational stop signal (p.Val235*) in the DYSF gene. It is expected to result in an absent or disrupted protein product. Loss-of-function variants in DYSF are known to be pathogenic (PMID: 17698709, 20301480). This variant is not present in population databases (gnomAD no frequency). This variant has not been reported in the literature in individuals affected with DYSF-related conditions. For these reasons, this variant has been classified as Pathogenic.

Literature cited by the submitters: PubMed 17698709; PubMed 20301480.

NM_001130987.2(DYSF):c.799del (p.Gly266_Val267insTer)

Gene: DYSF (dysferlin; plus strand). Cytogenetic location: 2p13.2.
Variant type: Deletion.
Coding change: c.799del on transcript NM_001130987.2 (MANE Select); coding-DNA position 799, one base deleted (G; older notation c.799delG).
Protein change: p.Gly266_Val267insTer.
Molecular consequence: nonsense.
Genome position (GRCh38, 1-based): chr2:71,515,662, G deleted; the last of 5 consecutive G bases (chr2:71,515,658-71,515,662); deleting any one gives the same sequence. VCF-style (leftmost placement, unchanged base first): chr2-71515657-CG-C. GRCh37 (hg19) VCF-style: chr2-71742787-CG-C.
Other names: c.799del, p.Gly266_Val267insTer (NM_001130985.2, NM_001130982.2); c.706del, p.Gly235_Val236insTer (NM_001130986.2, NM_001130455.2, NM_001130983.2 and 1 more transcripts); c.703del, p.Gly234_Val235insTer (NM_003494.4, NM_001130976.2, NM_001130977.2 and 1 more transcripts); c.796del, p.Gly265_Val266insTer (NM_001130979.2, NM_001130980.2, NM_001130981.2).
Identifiers: ClinVar variation 3661397 (VCV003661397.2).